The following is an entry in ClinVar:

ClinVar aggregate classification (germline): Uncertain significance (1 of 4 stars; one submission).

Conditions:
Pityriasis rubra pilaris (PRP). Also called: Pityriasis rubra pilaris--familial type. Identifiers: Orphanet 2897, MedGen C0032027, MONDO:0100017, OMIM 173200, MONDO:0008251.
Psoriasis 2. Identifiers: MedGen C1864497, MONDO:0011269, OMIM 602723.

Submission:

Labcorp Genetics (formerly Invitae), Labcorp
Classification: Uncertain significance for Pityriasis rubra pilaris; Psoriasis 2. Last evaluated: 2025-01-29. Review status: criteria provided, single submitter. Criteria: Invitae Variant Classification Sherloc (09022015). Collection method: clinical testing. Allele origin: germline.
Comment: This sequence change creates a premature translational stop signal (p.Arg820Alafs*33) in the CARD14 gene. It is expected to result in an absent or disrupted protein product. However, the current clinical and genetic evidence is not sufficient to establish whether loss-of-function variants in CARD14 cause disease. This variant is not present in population databases (gnomAD no frequency). This variant has not been reported in the literature in individuals affected with CARD14-related conditions. In summary, the available evidence is currently insufficient to determine the role of this variant in disease. Therefore, it has been classified as a Variant of Uncertain Significance.

NM_001366385.1(CARD14):c.2456dup (p.Arg820fs)

Genes: SGSH (N-sulfoglucosamine sulfohydrolase; minus strand), CARD14 (caspase recruitment domain family member 14; plus strand), LOC126862662 (MED14-independent group 3 enhancer GRCh37_chr17:78178385-78179584; plus strand). Cytogenetic location: 17q25.3.
Variant type: Duplication.
Coding change: c.2456dup on transcript NM_001366385.1 (MANE Select); coding-DNA position 2456, one base duplicated (T; older notation c.2456dupT).
Protein change: p.Arg820fs; shifts the reading frame from arginine 820.
Molecular consequence: frameshift variant. On other transcripts: non-coding transcript variant (1).
Genome position (GRCh38, 1-based): chr17:80,205,092, T duplicated. VCF-style (leftmost placement, unchanged base first): chr17-80205091-G-GT. GRCh37 (hg19) VCF-style: chr17-78178890-G-GT.
Other names: c.2456dup, p.Arg820fs (NM_024110.4); short protein forms R820fs.
Identifiers: ClinVar variation 3760460 (VCV003760460.2).